The following is an entry in ClinVar:

ClinVar aggregate classification (germline): Uncertain significance (1 of 4 stars; one submission).

Conditions:
Klippel-Feil syndrome 1, autosomal dominant (KFS1). Also called: CERVICAL VERTEBRAL FUSION, AUTOSOMAL DOMINANT. Identifiers: Orphanet 2345, MedGen C1861689, MONDO:0007306, OMIM 118100.
Isolated microphthalmia 4. Identifiers: Orphanet 2542, MedGen C2751307, MONDO:0013130, OMIM 613094.
Leber congenital amaurosis 17 (LCA17). Identifiers: Orphanet 65, MedGen C3715164, MONDO:0014145, OMIM 615360.
Microphthalmia, isolated, with coloboma 6 (MCOPCB6). Also called: Microphthalmia with coloboma 6, digenic; Microphthalmia with coloboma 6; MICROPHTHALMIA/COLOBOMA 6. Identifiers: Orphanet 98938, MedGen C3150968, MONDO:0013376, OMIM 613703.

gnomAD v4.1: 3 of 1,614,036 alleles (0.00019%); highest among the groups gnomAD compares: African/African-American, 0.004%; no homozygotes.

Submission:

Labcorp Genetics (formerly Invitae), Labcorp
Classification: Uncertain significance for Isolated microphthalmia 4; Leber congenital amaurosis 17; Klippel-Feil syndrome 1, autosomal dominant; Microphthalmia, isolated, with coloboma 6. Last evaluated: 2025-08-19. Review status: criteria provided, single submitter. Criteria: Invitae Variant Classification Sherloc (09022015). Collection method: clinical testing. Allele origin: germline.
Comment: This sequence change replaces serine, which is neutral and polar, with asparagine, which is neutral and polar, at codon 418 of the GDF6 protein (p.Ser418Asn). This variant is present in population databases (no rsID available, gnomAD 0.01%). This variant has not been reported in the literature in individuals affected with GDF6-related conditions. Invitae Evidence Modeling of protein sequence and biophysical properties (such as structural, functional, and spatial information, amino acid conservation, physicochemical variation, residue mobility, and thermodynamic stability) indicates that this missense variant is expected to disrupt GDF6 protein function with a positive predictive value of 80%. In summary, the available evidence is currently insufficient to determine the role of this variant in disease. Therefore, it has been classified as a Variant of Uncertain Significance.

NM_001001557.4(GDF6):c.1253G>A (p.Ser418Asn)

Gene: GDF6 (growth differentiation factor 6; minus strand). Cytogenetic location: 8q22.1.
Variant type: single nucleotide variant.
Coding change: c.1253G>A on transcript NM_001001557.4 (MANE Select); coding-DNA position 1253, G replaced by A.
Protein change: p.Ser418Asn; replaces serine 418 with asparagine.
Molecular consequence: missense variant.
Genome position (GRCh38, 1-based): chr8:96,144,678, C>T on the plus strand (G>A on the coding strand, the complement: GDF6 is on the minus strand). VCF-style: chr8-96144678-C-T. GRCh37 (hg19) VCF-style: chr8-97156906-C-T.
Other names: short protein forms S418N.
Identifiers: ClinVar variation 4790941 (VCV004790941.1).